The following is an entry in ClinVar:

NM_015474.4(SAMHD1):c.109G>T (p.Glu37Ter)

Gene: SAMHD1 (SAM and HD domain containing deoxynucleoside triphosphate triphosphohydrolase 1; minus strand). Cytogenetic location: 20q11.23.
Variant type: single nucleotide variant.
Coding change: c.109G>T on transcript NM_015474.4 (MANE Select); coding-DNA position 109, G replaced by T.
Protein change: p.Glu37Ter; replaces glutamic acid 37 with a stop codon.
Molecular consequence: nonsense.
Genome position (GRCh38, 1-based): chr20:36,951,535, C>A on the plus strand (G>T on the coding strand, the complement: SAMHD1 is on the minus strand). VCF-style: chr20-36951535-C-A. GRCh37 (hg19) VCF-style: chr20-35579938-C-A.
Other names: c.109G>T, p.Glu37Ter (NM_001363729.2, NM_001363733.2); short protein forms E37*.
Identifiers: ClinVar variation 997718 (VCV000997718.3), dbSNP rs1684124082, ClinGen allele CA408832335.

ClinVar aggregate classification (germline): Pathogenic. Review status: criteria provided, single submitter (1 of 4 stars). 2 submissions from 2 submitters: Pathogenic (1). 1 of the submissions does not count toward it. Last evaluated 2022-12-05.

Conditions:
Cerebral palsy. Identifiers: MedGen C0007789, MONDO:0006497, HP:0100021.

Allele frequency attached by ClinVar (database versions not stated): TOPMed below 0.00001.

Submissions (2):

GeneDx
Classification: Pathogenic. Last evaluated: 2022-12-05. Review status: criteria provided, single submitter. Criteria: GeneDx Variant Classification Process June 2021. Collection method: clinical testing. Allele origin: germline. Affected: yes.
Comment: Nonsense variant predicted to result in protein truncation or nonsense mediated decay in a gene for which loss of function is a known mechanism of disease; Not observed at significant frequency in large population cohorts (gnomAD); This variant is associated with the following publications: (PMID: 33967934)

Centre of Medical Genetics, University of Antwerp
Classification: Pathogenic for Cerebral palsy. Last evaluated: 2021-02-05. Review status: no assertion criteria provided. Collection method: clinical testing. Allele origin: paternal. Inheritance: Autosomal recessive inheritance. Affected: yes. Observed: 1 variant allele, 1 compound heterozygote. Not counted in ClinVar's aggregate classification.
Comment: nonsense mutation, compound heterozygous with a deletion of exon 5